The following is an entry in ClinVar:

NM_001042492.3(NF1):c.1161C>A (p.Ser387Arg)

Gene: NF1 (neurofibromin 1; plus strand). Cytogenetic location: 17q11.2.
Variant type: single nucleotide variant.
Coding change: c.1161C>A on transcript NM_001042492.3 (MANE Select); coding-DNA position 1161, C replaced by A.
Protein change: p.Ser387Arg; replaces serine 387 with arginine.
Molecular consequence: missense variant.
Genome position (GRCh38, 1-based): chr17:31,201,135, C>A. VCF-style: chr17-31201135-C-A. GRCh37 (hg19) VCF-style: chr17-29528153-C-A.
Other names: c.1161C>A, p.Ser387Arg (NM_000267.4, NM_001128147.3); short protein forms S387R.
Identifiers: ClinVar variation 4027512 (VCV004027512.1).

ClinVar aggregate classification (germline): Uncertain significance (1 of 4 stars; one submission).

Conditions:
Cardiovascular phenotype. Identifiers: MedGen CN230736.
Hereditary cancer-predisposing syndrome. Also called: Tumor predisposition; Hereditary neoplastic syndrome; Neoplastic Syndromes, Hereditary; Hereditary Cancer Syndrome. Identifiers: Orphanet 140162, MedGen C0027672, MeSH D009386, MONDO:0015356.

Submission:

Ambry Genetics
Classification: Uncertain significance for Cardiovascular phenotype; Hereditary cancer-predisposing syndrome. Last evaluated: 2025-05-07. Review status: criteria provided, single submitter. Criteria: Ambry Variant Classification Scheme 2023. Collection method: clinical testing. Allele origin: germline.
Comment: The p.S387R variant (also known as c.1161C>A), located in coding exon 10 of the NF1 gene, results from a C to A substitution at nucleotide position 1161. The serine at codon 387 is replaced by arginine, an amino acid with dissimilar properties. This amino acid position is conserved. In addition, this alteration is predicted to be tolerated by in silico analysis. Based on the available evidence, the clinical significance of this variant remains unclear.